The following is an entry in ClinVar:

ClinVar aggregate classification (germline): Benign/Likely benign. Review status: criteria provided, multiple submitters, no conflicts (2 of 4 stars). 3 submissions from 3 submitters: Benign (1); Likely benign (1). 1 of the submissions does not count toward it. Last evaluated 2024-01-18.

Conditions:
EP300-related disorder. Also called: EP300-related condition; EP300-related disorders.
Inborn genetic diseases. Identifiers: MedGen C0950123, MeSH D030342.
Rubinstein-Taybi syndrome due to EP300 haploinsufficiency. Also called: EP300-Related Rubinstein-Taybi Syndrome; RUBINSTEIN-TAYBI SYNDROME 2. Identifiers: Orphanet 353284, Orphanet 783, MedGen C3150941, MONDO:0013364, OMIM 613684.

gnomAD v4.1: 7 of 1,614,032 alleles (0.00043%); highest among the groups gnomAD compares: Admixed American, 0.005%; no homozygotes.

Submissions (3):

Labcorp Genetics (formerly Invitae), Labcorp
Classification: Benign for Rubinstein-Taybi syndrome due to EP300 haploinsufficiency. Last evaluated: 2024-01-18. Review status: criteria provided, single submitter. Criteria: Invitae Variant Classification Sherloc (09022015). Collection method: clinical testing. Allele origin: germline.

Ambry Genetics
Classification: Likely benign for Inborn genetic diseases. Last evaluated: 2023-01-26. Review status: criteria provided, single submitter. Criteria: Ambry Variant Classification Scheme 2023. Collection method: clinical testing. Allele origin: germline.

PreventionGenetics, part of Exact Sciences
Classification: Uncertain significance for EP300-related condition. Last evaluated: 2024-08-22. Review status: no assertion criteria provided. Collection method: clinical testing. Allele origin: germline. Not counted in ClinVar's aggregate classification.
Comment: The EP300 c.1972C>A variant is predicted to result in the amino acid substitution p.Leu658Ile. This variant has been reported in an individual undergoing whole exome sequencing for myelomeningocele (Table S3, Au et al. 2021. PubMed ID: 33574475). This variant is reported in 0.0056% of alleles in individuals of Latino descent in gnomAD. At this time, the clinical significance of this variant is uncertain due to the absence of conclusive functional and genetic evidence.

NM_001429.4(EP300):c.1972C>A (p.Leu658Ile)

Gene: EP300 (EP300 lysine acetyltransferase; plus strand). Cytogenetic location: 22q13.2.
Variant type: single nucleotide variant.
Coding change: c.1972C>A on transcript NM_001429.4 (MANE Select); coding-DNA position 1972, C replaced by A.
Protein change: p.Leu658Ile; replaces leucine 658 with isoleucine.
Molecular consequence: missense variant.
Genome position (GRCh38, 1-based): chr22:41,141,141, C>A. VCF-style: chr22-41141141-C-A. GRCh37 (hg19) VCF-style: chr22-41537145-C-A.
Other names: c.1972C>A, p.Leu658Ile (NM_001362843.2); short protein forms L658I.
Identifiers: ClinVar variation 2467748 (VCV002467748.7), dbSNP rs973317775, ClinGen allele CA324525207.